The following is an entry in ClinVar:

NM_000179.3(MSH6):c.14G>T (p.Ser5Ile)

Gene: MSH6 (mutS homolog 6; plus strand). Cytogenetic location: 2p16.3.
Variant type: single nucleotide variant.
Coding change: c.14G>T on transcript NM_000179.3 (MANE Select); coding-DNA position 14, G replaced by T.
Protein change: p.Ser5Ile; replaces serine 5 with isoleucine.
Molecular consequence: missense variant. On other transcripts: 5 prime UTR variant (1).
Genome position (GRCh38, 1-based): chr2:47,783,247, G>T. VCF-style: chr2-47783247-G-T. GRCh37 (hg19) VCF-style: chr2-48010386-G-T.
Other names: c.14G>T, p.Ser5Ile (NM_001281492.2, NM_001406795.1, NM_001406796.1 and 9 more transcripts); c.-723G>T (NM_001281493.2, NM_001406811.1); c.-315G>T (NM_001406799.1); c.-42G>T (NM_001406804.1); c.-915G>T (NM_001406807.1); c.-570G>T (NM_001406812.1); c.-981G>T (NM_001406814.1); c.-526G>T (NM_001406816.1); short protein forms S5I.
Identifiers: ClinVar variation 1773986 (VCV001773986.2), dbSNP rs532585602, ClinGen allele CA346734485.
Genomic context (GRCh38, chr2:47,783,247, plus strand): 5'-TTAGGAGCTCCGTCCGACAGAACGGTTGGGCCTTGCCGGCTGTCGGTATGTCGCGACAGA[G>T]CACCCTGTACAGCTTCTTCCCCAAGTCTCCGGCGCTGAGTGATGCCAACAAGGCCTCGGC-3'
Protein context (NP_000170.1, residues 1-15): MSRQ[Ser5Ile]TLYSFFPKSP

ClinVar aggregate classification (germline): Uncertain significance (1 of 4 stars; one submission).

Conditions:
Hereditary cancer-predisposing syndrome. Also called: Hereditary Cancer Syndrome; Hereditary neoplastic syndrome; Neoplastic Syndromes, Hereditary; Tumor predisposition. Identifiers: Orphanet 140162, MedGen C0027672, MeSH D009386, MONDO:0015356.

gnomAD v4.1: 1 of 1,611,634 alleles (0.000062%); highest among the groups gnomAD compares: Non-Finnish European, 0.000085%; no homozygotes.

Submission:

Ambry Genetics
Classification: Uncertain significance for Hereditary cancer-predisposing syndrome. Last evaluated: 2019-02-19. Review status: criteria provided, single submitter. Criteria: Ambry Variant Classification Scheme 2023. Collection method: clinical testing. Allele origin: germline.
Comment: The p.S5I variant (also known as c.14G>T), located in coding exon 1 of the MSH6 gene, results from a G to T substitution at nucleotide position 14. The serine at codon 5 is replaced by isoleucine, an amino acid with dissimilar properties. This amino acid position is well conserved in available vertebrate species. In addition, the in silico prediction for this alteration is inconclusive. In addition, the CoDP in silico tool predicts this alteration to have minor impact on molecular function, with a score of 0.001 (Terui H et al. J. Biomed. Sci. 2013 Apr;20:25). Since supporting evidence is limited at this time, the clinical significance of this alteration remains unclear.